The following is an entry in ClinVar:

ClinVar aggregate classification (germline): Uncertain significance (1 of 4 stars; one submission).

Submission:

Labcorp Genetics (formerly Invitae), Labcorp
Classification: Uncertain significance. Last evaluated: 2022-04-12. Review status: criteria provided, single submitter. Criteria: Invitae Variant Classification Sherloc (09022015). Collection method: clinical testing. Allele origin: germline.
Comment: In summary, the available evidence is currently insufficient to determine the role of this variant in disease. Therefore, it has been classified as a Variant of Uncertain Significance. Algorithms developed to predict the effect of missense changes on protein structure and function are either unavailable or do not agree on the potential impact of this missense change (SIFT: "Deleterious"; PolyPhen-2: "Probably Damaging"; Align-GVGD: "Class C0"). This variant has not been reported in the literature in individuals affected with SIX5-related conditions. This variant is not present in population databases (gnomAD no frequency). This sequence change replaces glycine, which is neutral and non-polar, with valine, which is neutral and non-polar, at codon 201 of the SIX5 protein (p.Gly201Val).

NM_175875.5(SIX5):c.602G>T (p.Gly201Val)

Genes: DM1-AS (DM1 locus antisense RNA; plus strand), SIX5 (SIX homeobox 5; minus strand), LOC107075317 (origin of replication in DMPK trinucleotide repeat region; plus strand). Cytogenetic location: 19q13.32.
Variant type: single nucleotide variant.
Coding change: c.602G>T on transcript NM_175875.5 (MANE Select); coding-DNA position 602, G replaced by T.
Protein change: p.Gly201Val; replaces glycine 201 with valine.
Molecular consequence: missense variant.
Genome position (GRCh38, 1-based): chr19:45,768,243, C>A on the plus strand (G>T on the coding strand, the complement: SIX5 is on the minus strand). VCF-style: chr19-45768243-C-A. GRCh37 (hg19) VCF-style: chr19-46271501-C-A.
Other names: short protein forms G201V.
Identifiers: ClinVar variation 2125099 (VCV002125099.4), dbSNP rs2513604214, ClinGen allele CA406423281.